The following is an entry in ClinVar:

NM_000168.6(GLI3):c.1356+10C>A

Gene: GLI3 (GLI family zinc finger 3; minus strand). Cytogenetic location: 7p14.1.
Variant type: single nucleotide variant.
Coding change: c.1356+10C>A on transcript NM_000168.6 (MANE Select); 10 bases into the intron after coding-DNA position 1356, C replaced by A.
Molecular consequence: intron variant.
Genome position (GRCh38, 1-based): chr7:42,025,254, G>T on the plus strand (C>A on the coding strand, the complement: GLI3 is on the minus strand). VCF-style: chr7-42025254-G-T. GRCh37 (hg19) VCF-style: chr7-42064853-G-T.
Identifiers: ClinVar variation 908133 (VCV000908133.7), dbSNP rs765591867, ClinGen allele CA4230878.
Genomic context (GRCh38, chr7:42,025,254, plus strand): 5'-GCGGGAGCTGACCCAAAGACACCAGTCTTGGGAGGAGTGGGCGCTGGCCTGTGCGGCCTC[G>T]GTGTCCTACCTGCTGCCCCCGAGCCCCTGGGCTGGGGAGGTCTTCATCGGGTTTGATCTT-3'

ClinVar aggregate classification (germline): Benign/Likely benign. Review status: criteria provided, multiple submitters, no conflicts (2 of 4 stars). 5 submissions from 3 submitters: Benign (3); Likely benign (1). 1 of the submissions does not count toward it. Last evaluated 2024-01-18.

Conditions:
GLI3-related disorder. Also called: GLI3-related disorders; GLI3-related condition. Identifiers: MedGen CN239292.
Polydactyly. Also called: polydactylism. Identifiers: MedGen C0152427, MONDO:0021003, OMIM 603596, HP:0010442.
Greig cephalopolysyndactyly syndrome (GCPS). Also called: GLI3-Related Greig Cephalopolysyndactyly Syndrome; Greig syndrome; POLYSYNDACTYLY WITH PECULIAR SKULL SHAPE. Identifiers: Orphanet 380, MedGen C0265306, MONDO:0008287, OMIM 175700.
Pallister-Hall syndrome (PHS). Also called: HYPOTHALAMIC HAMARTOBLASTOMA, HYPOPITUITARISM, IMPERFORATE ANUS, AND POSTAXIAL POLYDACTYLY; GLI3-Related Pallister-Hall Syndrome. Identifiers: Orphanet 672, MedGen C0265220, MONDO:0007804, OMIM 146510.

Allele frequency attached by ClinVar (database versions not stated): gnomAD below 0.00001 and 0.00003; TOPMed below 0.00001; ExAC 0.00029; gnomAD exomes 0.00029.
gnomAD v4.1: 209 of 1,585,312 alleles (0.013%); highest among the groups gnomAD compares: South Asian, 0.23%; 6 homozygotes.

Submissions (5):

Blueprint Genetics
Classification: Likely benign. Last evaluated: 2024-01-18. Review status: criteria provided, single submitter. Criteria: ACMG Guidelines, 2015. Collection method: clinical testing. Allele origin: germline.

Illumina Laboratory Services, Illumina
Classification: Benign for Greig cephalopolysyndactyly syndrome. Last evaluated: 2018-01-12. Review status: criteria provided, single submitter. Criteria: ICSL Variant Classification Criteria 13 December 2019. Collection method: clinical testing. Allele origin: germline.
Comment: This variant was observed in the ICSL laboratory as part of a predisposition screen in an ostensibly healthy population. It had not been previously curated by ICSL or reported in the Human Gene Mutation Database (HGMD: prior to June 1st, 2018), and was therefore a candidate for classification through an automated scoring system. Utilizing variant allele frequency, disease prevalence and penetrance estimates, and inheritance mode, an automated score was calculated to assess if this variant is too frequent to cause the disease. Based on the score and internal cut-off values, a variant classified as benign is not then subjected to further curation. The score for this variant resulted in a classification of benign for this disease.

Illumina Laboratory Services, Illumina
Classification: Benign for Polydactyly. Last evaluated: 2018-01-12. Review status: criteria provided, single submitter. Criteria: ICSL Variant Classification Criteria 13 December 2019. Collection method: clinical testing. Allele origin: germline.
Comment: the same text as in the submission from Illumina Laboratory Services, Illumina above.

Illumina Laboratory Services, Illumina
Classification: Benign for Pallister-Hall syndrome. Last evaluated: 2018-01-12. Review status: criteria provided, single submitter. Criteria: ICSL Variant Classification Criteria 13 December 2019. Collection method: clinical testing. Allele origin: germline.
Comment: the same text as in the submission from Illumina Laboratory Services, Illumina above.

PreventionGenetics, part of Exact Sciences
Classification: Likely benign for GLI3-related condition. Last evaluated: 2022-11-29. Review status: no assertion criteria provided. Collection method: clinical testing. Allele origin: germline. Not counted in ClinVar's aggregate classification.
Comment: This variant is classified as likely benign based on ACMG/AMP sequence variant interpretation guidelines (Richards et al. 2015 PMID: 25741868, with internal and published modifications).